The following is an entry in ClinVar:

NM_000642.3(AGL):c.3437C>T (p.Ala1146Val)

Gene: AGL (amylo-alpha-1,6-glucosidase and 4-alpha-glucanotransferase; plus strand). Cytogenetic location: 1p21.2.
Variant type: single nucleotide variant.
Coding change: c.3437C>T on transcript NM_000642.3 (MANE Select); coding-DNA position 3437, C replaced by T.
Protein change: p.Ala1146Val; replaces alanine 1146 with valine.
Molecular consequence: missense variant.
Genome position (GRCh38, 1-based): chr1:99,900,710, C>T. VCF-style: chr1-99900710-C-T. GRCh37 (hg19) VCF-style: chr1-100366266-C-T.
Other names: c.3437C>T, p.Ala1146Val (NM_000028.3, NM_000643.3, NM_000644.3 and 1 more transcripts); c.3389C>T, p.Ala1130Val (NM_000646.3); c.3416C>T, p.Ala1139Val (NM_001425326.1); c.3236C>T, p.Ala1079Val (NM_001425327.1); c.3233C>T, p.Ala1078Val (NM_001425328.1); c.3098C>T, p.Ala1033Val (NM_001425329.1); c.3059C>T, p.Ala1020Val (NM_001425332.1); short protein forms A1130V, A1146V, A1020V, A1033V, A1078V, A1079V, A1139V.
Identifiers: ClinVar variation 1058017 (VCV001058017.11), dbSNP rs867496787, ClinGen allele CA27539313.
Genomic context (GRCh38, chr1:99,900,710, plus strand): 5'-CATTTGCGGGTACCCTGAGGCATGGTCTCATTCCTAATCTACTGGGTGAAGGAATTTATG[C>T]CAGATACAATTGTCGGGATGCTGTGTGGTGGTGGCTGCAGTGTATCCAGGATTACTGTAA-3'
Protein context (NP_000633.2, residues 1136-1156): IPNLLGEGIY[Ala1146Val]RYNCRDAVWW

ClinVar aggregate classification (germline): Uncertain significance. Review status: criteria provided, multiple submitters, no conflicts (2 of 4 stars). 4 submissions from 4 submitters: Uncertain significance (3). 1 of the submissions does not count toward it. Last evaluated 2023-04-11.

Conditions:
Glycogen storage disease type III (GSD3). Also called: Cori disease; FORBES DISEASE. Identifiers: Orphanet 366, MedGen C0017922, MONDO:0009291, OMIM 232400.

Allele frequency attached by ClinVar (database versions not stated): gnomAD 0.00003; TOPMed 0.00003.
gnomAD v4.1: 7 of 1,613,914 alleles (0.00043%); highest among the groups gnomAD compares: African/African-American, 0.0027%; no homozygotes.

Submissions (4):

Genome-Nilou Lab
Classification: Uncertain significance for Glycogen storage disease type III. Last evaluated: 2023-04-11. Review status: criteria provided, single submitter. Criteria: ACMG Guidelines, 2015. Collection method: clinical testing. Allele origin: germline. Affected: no.

Labcorp Genetics (formerly Invitae), Labcorp
Classification: Uncertain significance for Glycogen storage disease type III. Last evaluated: 2022-07-26. Review status: criteria provided, single submitter. Criteria: Invitae Variant Classification Sherloc (09022015). Collection method: clinical testing. Allele origin: germline.
Comment: This sequence change replaces alanine, which is neutral and non-polar, with valine, which is neutral and non-polar, at codon 1146 of the AGL protein (p.Ala1146Val). This variant is not present in population databases (gnomAD no frequency). This variant has not been reported in the literature in individuals affected with AGL-related conditions. ClinVar contains an entry for this variant (Variation ID: 1058017). Algorithms developed to predict the effect of missense changes on protein structure and function are either unavailable or do not agree on the potential impact of this missense change (SIFT: "Tolerated"; PolyPhen-2: "Probably Damaging"; Align-GVGD: "Class C0"). In summary, the available evidence is currently insufficient to determine the role of this variant in disease. Therefore, it has been classified as a Variant of Uncertain Significance.

Fulgent Genetics
Classification: Uncertain significance for Glycogen storage disease type III. Last evaluated: 2021-08-03. Review status: criteria provided, single submitter. Criteria: ACMG Guidelines, 2015. Collection method: clinical testing. Allele origin: unknown.

Natera, Inc.
Classification: Uncertain significance for Glycogen storage disease type III. Last evaluated: 2020-08-24. Review status: no assertion criteria provided. Collection method: clinical testing. Allele origin: germline. Not counted in ClinVar's aggregate classification.